The following is an entry in ClinVar:

NM_000742.4(CHRNA2):c.307C>A (p.Gln103Lys)

Gene: CHRNA2 (cholinergic receptor nicotinic alpha 2 subunit; minus strand). Cytogenetic location: 8p21.2.
Variant type: single nucleotide variant.
Coding change: c.307C>A on transcript NM_000742.4 (MANE Select); coding-DNA position 307, C replaced by A.
Protein change: p.Gln103Lys; replaces glutamine 103 with lysine.
Molecular consequence: missense variant. On other transcripts: 5 prime UTR variant (4).
Genome position (GRCh38, 1-based): chr8:27,469,367, G>T on the plus strand (C>A on the coding strand, the complement: CHRNA2 is on the minus strand). VCF-style: chr8-27469367-G-T. GRCh37 (hg19) VCF-style: chr8-27326884-G-T.
Other names: p.Q103K:CAA>AAA; c.262C>A, p.Gln88Lys (NM_001282455.2); c.-166C>A (NM_001347705.2, NM_001347706.2); c.-152C>A (NM_001347707.2); c.-155C>A (NM_001347708.2); short protein forms Q103K, Q88K.
Identifiers: ClinVar variation 204957 (VCV000204957.2), dbSNP rs796052296, ClinGen allele CA313436.
Genomic context (GRCh38, chr8:27,469,367, plus strand): 5'-ACCTGGACTGGAGGAGGGGGGCCCTCACCTGTTTTAGCCAGACGTTGGTGGTCATCATTT[G>T]GTTCTTCTCATCCTGGCCCAGAGAGAGACAGAGGAGCAATTAAAGGGGTGGGCCCAGCCC-3'
Protein context (NP_000733.2, residues 93-113): AQLIDVDEKN[Gln103Lys]MMTTNVWLKQ

ClinVar aggregate classification (germline): Uncertain significance (1 of 4 stars; one submission).

Allele frequency attached by ClinVar (database versions not stated): gnomAD exomes 0.00001.
gnomAD v4.1: 10 of 1,557,166 alleles (0.00064%); highest among the groups gnomAD compares: Non-Finnish European, 0.00078%; no homozygotes.

Submission:

GeneDx
Classification: Uncertain significance. Last evaluated: 2013-01-22. Review status: criteria provided, single submitter. Criteria: GeneDx Variant Classification (06012015). Collection method: clinical testing. Allele origin: germline. Affected: yes.
Comment: p.Gln103Lys (CAA>AAA): c.307 C>A in exon 4 of the CHRNA2 gene (NM_000742.3). The Gln103Lys missense change has not been published as a mutation, nor has it been reported as a benign polymorphism to our knowledge. The NHLBI ESP Exome Variant Project has not identified Gln103Lys in approximately 6,400 individuals of European or African American ethnicity, indicating that it is not a common benign variant in these populations. The amino acid substitution is non-conservative as an uncharged Glutamine residue is replaced by a positively charged Lysine residue. Gln103Lys alters a highly conserved position in the CHRNA2 protein and multiple in-silico algorithms predict it may be damaging to the structure/function of the protein. However, missense mutations have not been previously reported in this region of the protein. Therefore, based on the currently available information, it is unclear whether Gln103Lys is a disease-causing mutation or a rare benign variant. The variant is found in EPILEPSY panel(s).